The following is an entry in ClinVar:

NM_032581.4(HYCC1):c.1397C>T (p.Pro466Leu)

Gene: HYCC1 (hyccin PI4KA lipid kinase complex subunit 1; minus strand). Cytogenetic location: 7p15.3.
Variant type: single nucleotide variant.
Coding change: c.1397C>T on transcript NM_032581.4 (MANE Select); coding-DNA position 1397, C replaced by T.
Protein change: p.Pro466Leu; replaces proline 466 with leucine.
Molecular consequence: missense variant. On other transcripts: 3 prime UTR variant (2).
Genome position (GRCh38, 1-based): chr7:22,945,758, G>A on the plus strand (C>T on the coding strand, the complement: HYCC1 is on the minus strand). VCF-style: chr7-22945758-G-A. GRCh37 (hg19) VCF-style: chr7-22985377-G-A.
Other names: c.*433C>T (NM_001363466.2); c.*391C>T (NM_001363467.2); short protein forms P466L.
Identifiers: ClinVar variation 468354 (VCV000468354.9), dbSNP rs762851762, ClinGen allele CA4185735.

ClinVar aggregate classification (germline): Uncertain significance. Review status: criteria provided, multiple submitters, no conflicts (2 of 4 stars). 3 submissions from 3 submitters: Uncertain significance (3). Last evaluated 2025-11-10.

Conditions:
HYCC1-related disorder. Also called: HYCC1-related condition.
Hypomyelination and Congenital Cataract (HLD5). Also called: hypomyelinating leukodystrophy 5. Identifiers: Orphanet 85163, MedGen C1864663, MONDO:0012514, OMIM 610532.

Allele frequency attached by ClinVar (database versions not stated): ExAC 0.00001; gnomAD exomes 0.00003; TOPMed 0.00003; gnomAD 0.00004.
gnomAD v4.1: 20 of 1,613,630 alleles (0.0012%); highest among the groups gnomAD compares: African/African-American, 0.015%; no homozygotes.

Submissions (3):

Labcorp Genetics (formerly Invitae), Labcorp
Classification: Uncertain significance for Hypomyelination and Congenital Cataract. Last evaluated: 2025-11-10. Review status: criteria provided, single submitter. Criteria: Invitae Variant Classification Sherloc (09022015). Collection method: clinical testing. Allele origin: germline.
Comment: This sequence change replaces proline, which is neutral and non-polar, with leucine, which is neutral and non-polar, at codon 466 of the FAM126A protein (p.Pro466Leu). This variant is present in population databases (rs762851762, gnomAD 0.009%). This variant has not been reported in the literature in individuals affected with FAM126A-related conditions. ClinVar contains an entry for this variant (Variation ID: 468354). An algorithm developed to predict the effect of missense changes on protein structure and function (PolyPhen-2) suggests that this variant is likely to be tolerated. In summary, the available evidence is currently insufficient to determine the role of this variant in disease. Therefore, it has been classified as a Variant of Uncertain Significance.

PreventionGenetics, part of Exact Sciences
Classification: Uncertain significance for HYCC1-related condition. Last evaluated: 2025-03-31. Review status: criteria provided, single submitter. Criteria: ACMG Guidelines, 2015. Collection method: clinical testing. Allele origin: germline.
Comment: The HYCC1 c.1397C>T variant is predicted to result in the amino acid substitution p.Pro466Leu. To our knowledge, this variant has not been reported in the literature. This variant is reported in 0.018% of alleles in individuals of African descent in gnomAD. At this time, the clinical significance of this variant is uncertain due to the absence of conclusive functional and genetic evidence.

Blueprint Genetics
Classification: Uncertain significance. Last evaluated: 2019-03-05. Review status: criteria provided, single submitter. Criteria: ACMG Guidelines, 2015. Collection method: clinical testing. Allele origin: germline.